The following is an entry in ClinVar:

ClinVar aggregate classification (germline): Benign/Likely benign. Review status: criteria provided, multiple submitters, no conflicts (2 of 4 stars). 3 submissions from 3 submitters: Benign (1); Likely benign (2). Last evaluated 2024-05-17.

Conditions:
Familial cancer of breast. Also called: Hereditary breast cancer; hereditary breast carcinoma; BREAST CANCER, FAMILIAL. Identifiers: Orphanet 227535, MedGen C0346153, MONDO:0016419, OMIM 114480. Disease mechanism: loss of function.
Ataxia-telangiectasia syndrome (AT). Also called: Cerebello-oculocutaneous telangiectasia; Immunodeficiency with ataxia telangiectasia; Ataxia-telangiectasia, complementation group E; Ataxia telangiectasia (A-T); LOUIS-BAR SYNDROME; Ataxia-telangiectasia, complementation group D. Identifiers: Orphanet 100, MedGen C0004135, MONDO:0008840, OMIM 208900.

Allele frequency attached by ClinVar (database versions not stated): gnomAD exomes below 0.00001.
gnomAD v4.1: 1 of 1,614,016 alleles (0.000062%); no homozygotes.

Submissions (3):

Myriad Genetics, Inc.
Classification: Benign for Familial cancer of breast. Last evaluated: 2024-05-17. Review status: criteria provided, single submitter. Criteria: Myriad Autosomal Dominant, Autosomal Recessive and X-Linked Classification Criteria (2023). Collection method: clinical testing. Allele origin: unknown.
Comment: This variant is considered benign. This variant is a silent/synonymous amino acid change and it is not expected to impact splicing.

Labcorp Genetics (formerly Invitae), Labcorp
Classification: Likely benign for Ataxia-telangiectasia syndrome. Last evaluated: 2021-12-08. Review status: criteria provided, single submitter. Criteria: Invitae Variant Classification Sherloc (09022015). Collection method: clinical testing. Allele origin: germline.

Blueprint Genetics
Classification: Likely benign. Last evaluated: 2021-03-03. Review status: criteria provided, single submitter. Criteria: ACMG Guidelines, 2015. Collection method: clinical testing. Allele origin: germline.

NM_000051.4(ATM):c.4455T>C (p.Asp1485=)

Gene: ATM (ATM serine/threonine kinase; plus strand). Cytogenetic location: 11q22.3.
Variant type: single nucleotide variant.
Coding change: c.4455T>C on transcript NM_000051.4 (MANE Select); coding-DNA position 4455, T replaced by C.
Protein change: p.Asp1485=; no amino-acid change (aspartic acid 1485 retained).
Molecular consequence: synonymous variant.
Genome position (GRCh38, 1-based): chr11:108,292,637, T>C. VCF-style: chr11-108292637-T-C. GRCh37 (hg19) VCF-style: chr11-108163364-T-C.
Other names: c.4455T>C, p.Asp1485= (NM_001351834.2).
Identifiers: ClinVar variation 2037553 (VCV002037553.6), dbSNP rs1180514317, ClinGen allele CA476674119.